The following is an entry in ClinVar:

NM_153252.5(BRWD3):c.2219A>G (p.Asn740Ser)

Gene: BRWD3 (bromodomain and WD repeat domain containing 3; minus strand). Cytogenetic location: Xq21.1.
Variant type: single nucleotide variant.
Coding change: c.2219A>G on transcript NM_153252.5 (MANE Select); coding-DNA position 2219, A replaced by G.
Protein change: p.Asn740Ser; replaces asparagine 740 with serine.
Molecular consequence: missense variant.
Genome position (GRCh38, 1-based): chrX:80,717,585, T>C on the plus strand (A>G on the coding strand, the complement: BRWD3 is on the minus strand). VCF-style: chrX-80717585-T-C. GRCh37 (hg19) VCF-style: chrX-79973084-T-C.
Other names: short protein forms N740S.
Identifiers: ClinVar variation 2635294 (VCV002635294.2), dbSNP rs759415396, ClinGen allele CA10462081.

ClinVar aggregate classification (germline): Conflicting classifications of pathogenicity. Review status: criteria provided, conflicting classifications (1 of 4 stars). 2 submissions from 2 submitters: Uncertain significance (1); Benign (1). Last evaluated 2026-01-04.

Conditions:
BRWD3-related disorder. Also called: BRWD3-related condition.

Allele frequency attached by ClinVar (database versions not stated): gnomAD exomes 0.00001; ExAC 0.00002.
gnomAD v4.1: 15 of 1,210,918 alleles (0.0012%); highest among the groups gnomAD compares: Non-Finnish European, 0.0015%; no homozygotes.

Submissions (2):

Labcorp Genetics (formerly Invitae), Labcorp
Classification: Benign. Last evaluated: 2026-01-04. Review status: criteria provided, single submitter. Criteria: Invitae Variant Classification Sherloc (09022015). Collection method: clinical testing. Allele origin: germline.

PreventionGenetics, part of Exact Sciences
Classification: Uncertain significance for BRWD3-related condition. Last evaluated: 2022-12-08. Review status: criteria provided, single submitter. Criteria: ACMG Guidelines, 2015. Collection method: clinical testing. Allele origin: germline.
Comment: The BRWD3 c.2219A>G variant is predicted to result in the amino acid substitution p.Asn740Ser. To our knowledge, this variant has not been reported in the literature. This variant is reported in 0.0037% of alleles in individuals of European (Non-Finnish) descent in gnomAD. At this time, the clinical significance of this variant is uncertain due to the absence of conclusive functional and genetic evidence.